The following is an entry in ClinVar:

ClinVar aggregate classification (germline): Uncertain significance (1 of 4 stars; one submission).

Allele frequency attached by ClinVar (database versions not stated): gnomAD 0.00001; TOPMed 0.00001.
gnomAD v4.1: 5 of 1,555,742 alleles (0.00032%); highest among the groups gnomAD compares: Non-Finnish European, 0.00044%; no homozygotes.

Submission:

CeGaT Center for Human Genetics Tuebingen
Classification: Uncertain significance. Last evaluated: 2024-01-01. Review status: criteria provided, single submitter. Criteria: CeGaT Center For Human Genetics Tuebingen Variant Classification Criteria Version 2. Collection method: clinical testing. Allele origin: germline. Affected: yes. Observed: 1 variant allele.
Comment: RNASET2: PM2, BP4

NM_003730.6(RNASET2):c.247T>A (p.Leu83Ile)

Gene: RNASET2 (ribonuclease T2; minus strand). Cytogenetic location: 6q27.
Variant type: single nucleotide variant.
Coding change: c.247T>A on transcript NM_003730.6 (MANE Select); coding-DNA position 247, T replaced by A.
Protein change: p.Leu83Ile; replaces leucine 83 with isoleucine.
Molecular consequence: missense variant.
Genome position (GRCh38, 1-based): chr6:166,946,696, A>T on the plus strand (T>A on the coding strand, the complement: RNASET2 is on the minus strand). VCF-style: chr6-166946696-A-T. GRCh37 (hg19) VCF-style: chr6-167360184-A-T.
Other names: short protein forms L83I.
Identifiers: ClinVar variation 3025734 (VCV003025734.22), dbSNP rs1239628395, ClinGen allele CA366407812.